The following is an entry in ClinVar:

NM_014709.4(USP34):c.3121C>A (p.Gln1041Lys)

Gene: USP34 (ubiquitin specific peptidase 34; minus strand). Cytogenetic location: 2p15.
Variant type: single nucleotide variant.
Coding change: c.3121C>A on transcript NM_014709.4 (MANE Select); coding-DNA position 3121, C replaced by A.
Protein change: p.Gln1041Lys; replaces glutamine 1041 with lysine.
Molecular consequence: missense variant.
Genome position (GRCh38, 1-based): chr2:61,319,220, G>T on the plus strand (C>A on the coding strand, the complement: USP34 is on the minus strand). VCF-style: chr2-61319220-G-T. GRCh37 (hg19) VCF-style: chr2-61546355-G-T.
Other names: short protein forms Q1041K.
Identifiers: ClinVar variation 4888163 (VCV004888163.1).

ClinVar aggregate classification (germline): Uncertain significance (1 of 4 stars; one submission).

gnomAD v4.1: 1 of 1,590,600 alleles (0.000063%); highest among the groups gnomAD compares: Non-Finnish European, 0.000085%; no homozygotes.

Submission:

GeneDx
Classification: Uncertain significance. Last evaluated: 2024-09-30. Review status: criteria provided, single submitter. Criteria: GeneDx Variant Classification Process June 2021. Collection method: clinical testing. Allele origin: germline.
Comment: Not observed at significant frequency in large population cohorts (gnomAD); In silico analysis supports that this missense variant has a deleterious effect on protein structure/function; Has not been previously published as pathogenic or benign to our knowledge; Variants in candidate genes are classified as variants of uncertain significance in accordance with ACMG guidelines (PMID: 25741868)